The following is an entry in ClinVar:

NM_013339.4(ALG6):c.100A>G (p.Met34Val)

Gene: ALG6 (ALG6 alpha-1,3-glucosyltransferase; plus strand). Cytogenetic location: 1p31.3.
Variant type: single nucleotide variant.
Coding change: c.100A>G on transcript NM_013339.4 (MANE Select); coding-DNA position 100, A replaced by G.
Protein change: p.Met34Val; replaces methionine 34 with valine.
Molecular consequence: missense variant.
Genome position (GRCh38, 1-based): chr1:63,396,530, A>G. VCF-style: chr1-63396530-A-G. GRCh37 (hg19) VCF-style: chr1-63862201-A-G.
Other names: short protein forms M34V.
Identifiers: ClinVar variation 2144087 (VCV002144087.1), dbSNP rs1557585842, ClinGen allele CA340632708.

ClinVar aggregate classification (germline): Uncertain significance (1 of 4 stars; one submission).

Conditions:
ALG6-congenital disorder of glycosylation 1C (CDG1C). Also called: CARBOHYDRATE-DEFICIENT GLYCOPROTEIN SYNDROME, TYPE I, WITH DEFICIENT GLYCOSYLATION OF DOLICHOL-LINKED OLIGOSACCHARIDE; CARBOHYDRATE-DEFICIENT GLYCOPROTEIN SYNDROME, TYPE V; Congenital disorder of glycosylation type 1C; Congenital disorder of glycosylation, type Ic; CDG Ic. Identifiers: Orphanet 79320, MedGen C2930997, MONDO:0011291, OMIM 603147.

Allele frequency attached by ClinVar (database versions not stated): gnomAD exomes 0.00001.
gnomAD v4.1: 13 of 1,614,056 alleles (0.00081%); highest among the groups gnomAD compares: African/African-American, 0.0027%; no homozygotes.

Submission:

Labcorp Genetics (formerly Invitae), Labcorp
Classification: Uncertain significance for ALG6-congenital disorder of glycosylation 1C. Last evaluated: 2022-05-08. Review status: criteria provided, single submitter. Criteria: Invitae Variant Classification Sherloc (09022015). Collection method: clinical testing. Allele origin: germline.
Comment: This sequence change replaces methionine, which is neutral and non-polar, with valine, which is neutral and non-polar, at codon 34 of the ALG6 protein (p.Met34Val). This variant is not present in population databases (gnomAD no frequency). This variant has not been reported in the literature in individuals affected with ALG6-related conditions. Algorithms developed to predict the effect of missense changes on protein structure and function are either unavailable or do not agree on the potential impact of this missense change (SIFT: "Deleterious"; PolyPhen-2: "Possibly Damaging"; Align-GVGD: "Class C0"). In summary, the available evidence is currently insufficient to determine the role of this variant in disease. Therefore, it has been classified as a Variant of Uncertain Significance.